The following is an entry in ClinVar:

ClinVar aggregate classification (germline): Pathogenic/Likely pathogenic. Review status: criteria provided, multiple submitters, no conflicts (2 of 4 stars). 3 submissions from 3 submitters: Pathogenic (1); Likely pathogenic (2). Last evaluated 2024-03-25.

Conditions:
Methylmalonic aciduria, cblA type (MACA). Also called: Methylmalonic aciduria, vitamin b12-responsive, due to defect in synthesis of adenosylcobalamin, cbla complementation type; MMA cbl A type; Methylmalonic acidemia cblA type; Vitamin B12-responsive methylmalonic acidemia type cblA; Methylmalonic aciduria, vitamin B12-responsive. Identifiers: Orphanet 28, Orphanet 79310, MedGen C1855109, MONDO:0009613, OMIM 251100.

Allele frequency attached by ClinVar (database versions not stated): gnomAD 0.00001; TOPMed 0.00001.

Submissions (3):

Natera, Inc.
Classification: Likely pathogenic for Methylmalonic aciduria cblA type. Last evaluated: 2024-03-25. Review status: criteria provided, single submitter. Criteria: Natera Variant Classification Schema (03/2026). Collection method: clinical testing. Allele origin: germline.
Comment: The c.756delT variant in MMAA is a frameshift variant predicted to shift the reading frame beginning at codon 253 and leads to a stop codon 27 codons downstream. This variant is expected to result in nonsense mediated decay, truncation, or a dysfunctional protein product. This variant is rare in the general population with a frequency below the threshold expected for the associated phenotype(s). Given the available evidence, this variant is classified as Likely Pathogenic.

Fulgent Genetics
Classification: Likely pathogenic for Methylmalonic aciduria, cblA type. Last evaluated: 2024-03-06. Review status: criteria provided, single submitter. Criteria: ACMG Guidelines, 2015. Collection method: clinical testing. Allele origin: germline.

Labcorp Genetics (formerly Invitae), Labcorp
Classification: Pathogenic for Methylmalonic aciduria, cblA type. Last evaluated: 2023-06-30. Review status: criteria provided, single submitter. Criteria: Invitae Variant Classification Sherloc (09022015). Collection method: clinical testing. Allele origin: germline.
Comment: This variant has not been reported in the literature in individuals affected with MMAA-related conditions. This variant is not present in population databases (gnomAD no frequency). This sequence change creates a premature translational stop signal (p.Val253Leufs*27) in the MMAA gene. It is expected to result in an absent or disrupted protein product. Loss-of-function variants in MMAA are known to be pathogenic (PMID: 15523652, 15781192). ClinVar contains an entry for this variant (Variation ID: 1414201). For these reasons, this variant has been classified as Pathogenic.

Literature cited by the submitters: PubMed 15523652 (cited by Labcorp Genetics (formerly Invitae), Labcorp); PubMed 15781192 (cited by Labcorp Genetics (formerly Invitae), Labcorp).

NM_172250.3(MMAA):c.756del (p.Val253fs)

Gene: MMAA (metabolism of cobalamin associated A; plus strand). Cytogenetic location: 4q31.21.
Variant type: Deletion.
Coding change: c.756del on transcript NM_172250.3 (MANE Select); coding-DNA position 756, one base deleted (T; older notation c.756delT).
Protein change: p.Val253fs; shifts the reading frame from valine 253.
Molecular consequence: frameshift variant.
Genome position (GRCh38, 1-based): chr4:145,651,084, T deleted. VCF-style (leftmost placement, unchanged base first): chr4-145651083-CT-C. GRCh37 (hg19) VCF-style: chr4-146572235-CT-C.
Other names: c.756delT (NM_172250.2); c.756del, p.Val253fs (NM_001375644.1); short protein forms V253fs.
Identifiers: ClinVar variation 1414201 (VCV001414201.8), dbSNP rs1489525542, ClinGen allele CA788558636.